The following is an entry in ClinVar:

NM_015662.3(IFT172):c.410T>G (p.Leu137Ter)

Gene: IFT172 (intraflagellar transport 172; minus strand). Cytogenetic location: 2p23.3.
Variant type: single nucleotide variant.
Coding change: c.410T>G on transcript NM_015662.3 (MANE Select); coding-DNA position 410, T replaced by G.
Protein change: p.Leu137Ter; replaces leucine 137 with a stop codon.
Molecular consequence: nonsense.
Genome position (GRCh38, 1-based): chr2:27,483,652, A>C on the plus strand (T>G on the coding strand, the complement: IFT172 is on the minus strand). VCF-style: chr2-27483652-A-C. GRCh37 (hg19) VCF-style: chr2-27706519-A-C.
Other names: c.410T>G, p.Leu137Ter (NM_001410739.1); short protein forms L137*.
Identifiers: ClinVar variation 3750270 (VCV003750270.2).

ClinVar aggregate classification (germline): Pathogenic (1 of 4 stars; one submission).

Conditions:
Short-rib thoracic dysplasia 10 with or without polydactyly (SRTD10). Identifiers: Orphanet 474, MedGen C3810175, MONDO:0014284, OMIM 615630.
Retinitis pigmentosa 71 (RP71). Identifiers: Orphanet 791, MedGen C4225342, MONDO:0014618, OMIM 616394.

Submission:

Labcorp Genetics (formerly Invitae), Labcorp
Classification: Pathogenic for Retinitis pigmentosa 71; Short-rib thoracic dysplasia 10 with or without polydactyly. Last evaluated: 2024-04-15. Review status: criteria provided, single submitter. Criteria: Invitae Variant Classification Sherloc (09022015). Collection method: clinical testing. Allele origin: germline.
Comment: This sequence change creates a premature translational stop signal (p.Leu137*) in the IFT172 gene. It is expected to result in an absent or disrupted protein product. Loss-of-function variants in IFT172 are known to be pathogenic (PMID: 24140113). This variant is present in population databases (no rsID available, gnomAD 0.007%). This variant has not been reported in the literature in individuals affected with IFT172-related conditions. For these reasons, this variant has been classified as Pathogenic.

Literature cited by the submitters: PubMed 24140113.